The following is an entry in ClinVar:

NM_182961.4(SYNE1):c.1730-161A>T

Gene: SYNE1 (spectrin repeat containing nuclear envelope protein 1; minus strand). Cytogenetic location: 6q25.2.
Variant type: single nucleotide variant.
Coding change: c.1730-161A>T on transcript NM_182961.4 (MANE Select); 161 bases into the intron before coding-DNA position 1730, A replaced by T.
Molecular consequence: intron variant.
Genome position (GRCh38, 1-based): chr6:152,465,621, T>A on the plus strand (A>T on the coding strand, the complement: SYNE1 is on the minus strand). VCF-style: chr6-152465621-T-A. GRCh37 (hg19) VCF-style: chr6-152786756-T-A.
Other names: c.1751-161A>T (NM_033071.5).
Identifiers: ClinVar variation 672632 (VCV000672632.1), dbSNP rs77063378, ClinGen allele CA150205104.

ClinVar aggregate classification (germline): Likely benign (1 of 4 stars; one submission).

Allele frequency attached by ClinVar (database versions not stated): gnomAD 0.02080 and 0.02243; TOPMed 0.02287; 1000 Genomes Project 30x 0.03326; 1000 Genomes Project 0.03335.
gnomAD v4.1: 3,404 of 152,224 alleles (2.2%); highest among the groups gnomAD compares: East Asian, 10%; 70 homozygotes.

Submission:

GeneDx
Classification: Likely benign. Last evaluated: 2018-06-19. Review status: criteria provided, single submitter. Criteria: GeneDx Variant Classification (06012015). Collection method: clinical testing. Allele origin: germline. Affected: yes.
Comment: This variant is considered likely benign or benign based on one or more of the following criteria: it is a conservative change, it occurs at a poorly conserved position in the protein, it is predicted to be benign by multiple in silico algorithms, and/or has population frequency not consistent with disease.